The following is an entry in ClinVar:

NM_002972.4(SBF1):c.4995C>G (p.Tyr1665Ter)

Gene: SBF1 (SET binding factor 1; minus strand). Cytogenetic location: 22q13.33.
Variant type: single nucleotide variant.
Coding change: c.4995C>G on transcript NM_002972.4 (MANE Select); coding-DNA position 4995, C replaced by G.
Protein change: p.Tyr1665Ter; replaces tyrosine 1665 with a stop codon.
Molecular consequence: nonsense.
Genome position (GRCh38, 1-based): chr22:50,454,560, G>C on the plus strand (C>G on the coding strand, the complement: SBF1 is on the minus strand). VCF-style: chr22-50454560-G-C. GRCh37 (hg19) VCF-style: chr22-50892989-G-C.
Other names: c.4920C>G, p.Tyr1640Ter (NM_001365819.1); c.4998C>G, p.Tyr1666Ter (NM_001410794.1); c.4917C>G, p.Tyr1639Ter (NM_001410795.1); c.4995C>G, p.Tyr1665Ter (NM_197971.1); short protein forms Y1639*, Y1666*, Y1640*, Y1665*.
Identifiers: ClinVar variation 2975329 (VCV002975329.3), dbSNP rs369497718, ClinGen allele CA412191233.
Genomic context (GRCh38, chr22:50,454,560, plus strand): 5'-GATCACACGCACCTCCAGCAGGCGTGAGATGGCGTCAGGCTGGGCCCGCGGGCAGCTGTC[G>C]TAACAGGGCCACACCACGCGGCGCCTGCTCTGGGGAGCGCCTCCATCAGACCGTTCTTCC-3'

ClinVar aggregate classification (germline): Pathogenic (1 of 4 stars; one submission).

Submission:

Labcorp Genetics (formerly Invitae), Labcorp
Classification: Pathogenic. Last evaluated: 2023-08-17. Review status: criteria provided, single submitter. Criteria: Invitae Variant Classification Sherloc (09022015). Collection method: clinical testing. Allele origin: germline.
Comment: For these reasons, this variant has been classified as Pathogenic. This variant has not been reported in the literature in individuals affected with SBF1-related conditions. This variant is not present in population databases (gnomAD no frequency). This sequence change creates a premature translational stop signal (p.Tyr1665*) in the SBF1 gene. It is expected to result in an absent or disrupted protein product. Loss-of-function variants in SBF1 are known to be pathogenic (PMID: 28005197, 28902413).

Literature cited by the submitters: PubMed 28005197; PubMed 28902413.